The following is an entry in ClinVar:

ClinVar aggregate classification (germline): Uncertain significance. Review status: criteria provided, multiple submitters, no conflicts (2 of 4 stars). 5 submissions from 5 submitters: Uncertain significance (5). Last evaluated 2025-12-09.

Conditions:
Idiopathic Pulmonary Fibrosis. Also called: Idiopathic fibrosing alveolitis, chronic form; idiopathic fibrosing alveolitis. Identifiers: Orphanet 2032, MedGen C1800706, MeSH D054990, MONDO:0800504.
Dyskeratosis congenita, autosomal dominant 2. Identifiers: MedGen C3151443, MONDO:0013521, OMIM 613989.
Dyskeratosis congenita. Identifiers: Orphanet 1775, MedGen C0265965, MONDO:0015780.

Allele frequency attached by ClinVar (database versions not stated): ExAC 0.00001; gnomAD exomes 0.00001; TOPMed 0.00002; gnomAD 0.00003.
gnomAD v4.1: 19 of 1,613,060 alleles (0.0012%); highest among the groups gnomAD compares: Middle Eastern, 0.016%; no homozygotes.

Submissions (5):

Labcorp Genetics (formerly Invitae), Labcorp
Classification: Uncertain significance for Dyskeratosis congenita, autosomal dominant 2; Idiopathic Pulmonary Fibrosis. Last evaluated: 2025-12-09. Review status: criteria provided, single submitter. Criteria: Invitae Variant Classification Sherloc (09022015). Collection method: clinical testing. Allele origin: germline.
Comment: This sequence change replaces valine, which is neutral and non-polar, with isoleucine, which is neutral and non-polar, at codon 808 of the TERT protein (p.Val808Ile). This variant is present in population databases (rs200119385, gnomAD 0.002%). This variant has not been reported in the literature in individuals affected with TERT-related conditions. ClinVar contains an entry for this variant (Variation ID: 471864). Invitae Evidence Modeling of protein sequence and biophysical properties (such as structural, functional, and spatial information, amino acid conservation, physicochemical variation, residue mobility, and thermodynamic stability) indicates that this missense variant is not expected to disrupt TERT protein function with a negative predictive value of 95%. In summary, the available evidence is currently insufficient to determine the role of this variant in disease. Therefore, it has been classified as a Variant of Uncertain Significance.

Ambry Genetics
Classification: Uncertain significance for Dyskeratosis congenita. Last evaluated: 2025-04-15. Review status: criteria provided, single submitter. Criteria: Ambry Variant Classification Scheme 2023. Collection method: clinical testing. Allele origin: germline.
Comment: The p.V808I variant (also known as c.2422G>A), located in coding exon 8 of the TERT gene, results from a G to A substitution at nucleotide position 2422. The valine at codon 808 is replaced by isoleucine, an amino acid with highly similar properties. This amino acid position is conserved. In addition, this alteration is predicted to be tolerated by in silico analysis. Based on the available evidence, the clinical significance of this variant remains unclear.

Blueprint Genetics
Classification: Uncertain significance. Last evaluated: 2024-07-12. Review status: criteria provided, single submitter. Criteria: ACMG Guidelines, 2015. Collection method: clinical testing. Allele origin: germline.

GeneDx
Classification: Uncertain significance. Last evaluated: 2024-02-27. Review status: criteria provided, single submitter. Criteria: GeneDx Variant Classification Process June 2021. Collection method: clinical testing. Allele origin: germline. Affected: yes.
Comment: Not observed at significant frequency in large population cohorts (gnomAD); In silico analysis supports that this missense variant does not alter protein structure/function; Has not been previously published as pathogenic or benign to our knowledge

Mayo Clinic Laboratories, Mayo Clinic
Classification: Uncertain significance. Last evaluated: 2019-04-14. Review status: criteria provided, single submitter. Criteria: ACMG Guidelines, 2015. Collection method: clinical testing. Allele origin: germline. Observed: 1 variant allele.

NM_198253.3(TERT):c.2422G>A (p.Val808Ile)

Gene: TERT (telomerase reverse transcriptase; minus strand). Cytogenetic location: 5p15.33.
Variant type: single nucleotide variant.
Coding change: c.2422G>A on transcript NM_198253.3 (MANE Select); coding-DNA position 2422, G replaced by A.
Protein change: p.Val808Ile; replaces valine 808 with isoleucine.
Molecular consequence: missense variant.
Genome position (GRCh38, 1-based): chr5:1,271,165, C>T on the plus strand (G>A on the coding strand, the complement: TERT is on the minus strand). VCF-style: chr5-1271165-C-T. GRCh37 (hg19) VCF-style: chr5-1271280-C-T.
Other names: c.2422G>A, p.Val808Ile (NM_001193376.3); short protein forms V808I.
Identifiers: ClinVar variation 471864 (VCV000471864.22), dbSNP rs200119385, ClinGen allele CA3184520.
Genomic context (GRCh38, chr5:1,271,165, plus strand): 5'-GCCACCTGACTCACTTGCCCCTGATGCGCACGGCGTGGTGGCACATGAAGCGTAGGAAGA[C>T]GTCGAAGAGGCCACTGCTGGCCTCATTCAGGGAGGAGCTCTGCGAAAGCAGACGGGAGAC-3'
Protein context (NP_937983.2, residues 798-818): LNEASSGLFD[Val808Ile]FLRFMCHHAV